The following is an entry in ClinVar:

ClinVar aggregate classification (germline): Uncertain significance. Review status: criteria provided, multiple submitters, no conflicts (2 of 4 stars). 2 submissions from 2 submitters: Uncertain significance (2). Last evaluated 2024-10-25.

Conditions:
Inborn genetic diseases. Identifiers: MedGen C0950123, MeSH D030342.

Allele frequency attached by ClinVar (database versions not stated): gnomAD exomes below 0.00001; gnomAD 0.00002; TOPMed 0.00003.
gnomAD v4.1: 5 of 1,613,962 alleles (0.00031%); highest among the groups gnomAD compares: Admixed American, 0.0033%; no homozygotes.

Submissions (2):

Ambry Genetics
Classification: Uncertain significance for Inborn genetic diseases. Last evaluated: 2024-10-25. Review status: criteria provided, single submitter. Criteria: Ambry Variant Classification Scheme 2023. Collection method: clinical testing. Allele origin: germline.

GeneDx
Classification: Uncertain significance. Last evaluated: 2023-01-30. Review status: criteria provided, single submitter. Criteria: GeneDx Variant Classification Process June 2021. Collection method: clinical testing. Allele origin: germline. Affected: yes.
Comment: Not observed at a significant frequency in large population cohorts (gnomAD); In silico analysis, which includes protein predictors and evolutionary conservation, supports a deleterious effect; Has not been previously published as pathogenic or benign to our knowledge; This variant is associated with the following publications: (PMID: 12668474)

NM_000540.3(RYR1):c.8696G>C (p.Gly2899Ala)

Gene: RYR1 (ryanodine receptor 1; plus strand). Cytogenetic location: 19q13.2.
Variant type: single nucleotide variant.
Coding change: c.8696G>C on transcript NM_000540.3 (MANE Select); coding-DNA position 8696, G replaced by C.
Protein change: p.Gly2899Ala; replaces glycine 2899 with alanine.
Molecular consequence: missense variant.
Genome position (GRCh38, 1-based): chr19:38,506,832, G>C. VCF-style: chr19-38506832-G-C. GRCh37 (hg19) VCF-style: chr19-38997472-G-C.
Other names: c.8696G>C, p.Gly2899Ala (NM_001042723.2); short protein forms G2899A.
Identifiers: ClinVar variation 1303287 (VCV001303287.5), dbSNP rs970107177, ClinGen allele CA308118793.